The following is an entry in ClinVar:

ClinVar aggregate classification (germline): Pathogenic (1 of 4 stars; one submission).

Submission:

Labcorp Genetics (formerly Invitae), Labcorp
Classification: Pathogenic. Last evaluated: 2023-10-15. Review status: criteria provided, single submitter. Criteria: Invitae Variant Classification Sherloc (09022015). Collection method: clinical testing. Allele origin: germline.
Comment: This sequence change creates a premature translational stop signal (p.Asp203Metfs*2) in the TYMP gene. It is expected to result in an absent or disrupted protein product. Loss-of-function variants in TYMP are known to be pathogenic (PMID: 9924029, 15781193). This variant is not present in population databases (gnomAD no frequency). This variant has not been reported in the literature in individuals affected with TYMP-related conditions. Algorithms developed to predict the effect of sequence changes on RNA splicing suggest that this variant may disrupt the consensus splice site. For these reasons, this variant has been classified as Pathogenic.

Literature cited by the submitters: PubMed 9924029; PubMed 15781193.

NM_001953.5(TYMP):c.607del (p.Asp203fs)

Gene: TYMP (thymidine phosphorylase; minus strand). Cytogenetic location: 22q13.33.
Variant type: Deletion.
Coding change: c.607del on transcript NM_001953.5 (MANE Select); coding-DNA position 607, one base deleted (G; older notation c.607delG).
Protein change: p.Asp203fs; shifts the reading frame from aspartic acid 203.
Molecular consequence: frameshift variant.
Genome position (GRCh38, 1-based): chr22:50,527,627, C deleted on the plus strand (G on the coding strand, the reverse complement: TYMP is on the minus strand). VCF-style (leftmost placement, unchanged base first): chr22-50527626-TC-T. GRCh37 (hg19) VCF-style: chr22-50966055-TC-T.
Other names: c.607del, p.Asp203fs (NM_001257988.1, NM_001257989.1, NM_001113755.3 and 1 more transcripts); short protein forms D203fs.
Identifiers: ClinVar variation 2768712 (VCV002768712.3), dbSNP rs2522530428, ClinGen allele CA2697552819.